The following is an entry in ClinVar:

NM_000719.7(CACNA1C):c.5893_5905dup (p.Val1969fs)

Genes: CACNA1C (calcium voltage-gated channel subunit alpha1 C; plus strand), CACNA1C-AS1 (CACNA1C antisense RNA 1; minus strand). Cytogenetic location: 12p13.33.
Variant type: Duplication.
Coding change: c.5893_5905dup on transcript NM_000719.7 (MANE Select); coding-DNA positions 5893 to 5905, 13 bases duplicated (CCCCCACAGCCCG).
Protein change: p.Val1969fs; shifts the reading frame from valine 1969.
Molecular consequence: frameshift variant.
Genome position (GRCh38, 1-based): chr12:2,688,555-2,688,567, CCCCCACAGCCCG duplicated; duplicating any 13 consecutive bases within chr12:2,688,554-2,688,567 gives the same sequence; the c. name uses the placement nearest the transcript's 3' end. VCF-style (leftmost placement, unchanged base first): chr12-2688553-G-GGCCCCCACAGCCC. GRCh37 (hg19) VCF-style: chr12-2797719-G-GGCCCCCACAGCCC.
Other names: c.6037_6049dup, p.Val2017fs (NM_001129827.2); c.6016_6028dup, p.Val2010fs (NM_001129829.2); c.5998_6010dup, p.Val2004fs (NM_001129830.3, NM_001167624.3); c.5977_5989dup, p.Val1997fs (NM_001129831.2); c.5953_5965dup, p.Val1989fs (NM_001129832.2); c.5950_5962dup, p.Val1988fs (NM_001129833.2, NM_001129834.2, NM_001129835.2); c.5944_5956dup, p.Val1986fs (NM_001129836.2); c.5917_5929dup, p.Val1977fs (NM_001129837.2, NM_001129838.2); and 6 more; short protein forms V1958fs, V1966fs, V1969fs, V1975fs, V1977fs, V1986fs, V1988fs, V1989fs.
Identifiers: ClinVar variation 3906971 (VCV003906971.2).

ClinVar aggregate classification (germline): Uncertain significance (1 of 4 stars; one submission).

Conditions:
Brugada syndrome 3 (BRGDA3). Identifiers: Orphanet 130, MedGen C2678478, MONDO:0012742, OMIM 611875.
Neurodevelopmental disorder with hypotonia, language delay, and skeletal defects with or without seizures (NEDHLSS). Identifiers: MedGen C5774213, MONDO:0859286, OMIM 620029.
Timothy syndrome (TS). Also called: LONG QT SYNDROME WITH SYNDACTYLY. Identifiers: Orphanet 65283, MedGen C1832916, MeSH C536962, MONDO:0010979, OMIM 601005.
Long QT syndrome 8. Identifiers: MedGen CN260585, MONDO:0032756, OMIM 618447.

Submission:

Juno Genomics, Hangzhou Juno Genomics, Inc
Classification: Uncertain significance for Timothy syndrome; Neurodevelopmental disorder with hypotonia, language delay, and skeletal defects with or without seizures; Brugada syndrome 3; Long QT syndrome 8. Review status: criteria provided, single submitter. Criteria: ACMG Guidelines, 2015. Collection method: clinical testing. Allele origin: germline. Affected: yes.
Comment: Absent from controls (or at extremely low frequency if recessive) in Genome Aggregation Database, Exome Sequencing Project, 1000 Genomes Project, or Exome Aggregation Consortium.;Null variant in a gene where loss of function (LOF) is a known mechanism of disease.